The following is an entry in ClinVar:

ClinVar aggregate classification (germline): Uncertain significance (1 of 4 stars; one submission).

Submission:

GeneDx
Classification: Uncertain significance. Last evaluated: 2024-04-17. Review status: criteria provided, single submitter. Criteria: GeneDx Variant Classification Process June 2021. Collection method: clinical testing. Allele origin: germline. Affected: yes.
Comment: Not observed at significant frequency in large population cohorts (gnomAD); Has not been previously published as pathogenic or benign to our knowledge; Variants in candidate genes are classified as variants of uncertain significance in accordance with ACMG guidelines (PMID: 25741868); Canonical splice site variant in a gene for which loss-of-function is not an established mechanism of disease

NM_001382309.1(ATXN7L3):c.357-2A>C

Gene: ATXN7L3 (ataxin 7 like 3; minus strand). Cytogenetic location: 17q21.31.
Variant type: single nucleotide variant.
Coding change: c.357-2A>C on transcript NM_001382309.1 (MANE Select); the canonical splice acceptor site of the intron before coding-DNA position 357, A replaced by C.
Molecular consequence: splice acceptor variant.
Genome position (GRCh38, 1-based): chr17:44,197,028, T>G on the plus strand (A>C on the coding strand, the complement: ATXN7L3 is on the minus strand). VCF-style: chr17-44197028-T-G. GRCh37 (hg19) VCF-style: chr17-42274396-T-G.
Other names: c.357-2A>C (NM_001382316.1, NM_001382308.1, NM_001382311.1 and 3 more transcripts); c.378-2A>C (NM_001382314.1, NM_001382315.1).
Identifiers: ClinVar variation 4070633 (VCV004070633.1).